The following is an entry in ClinVar:

NM_182961.4(SYNE1):c.12614C>T (p.Ser4205Leu)

Gene: SYNE1 (spectrin repeat containing nuclear envelope protein 1; minus strand). Cytogenetic location: 6q25.2.
Variant type: single nucleotide variant.
Coding change: c.12614C>T on transcript NM_182961.4 (MANE Select); coding-DNA position 12614, C replaced by T.
Protein change: p.Ser4205Leu; replaces serine 4205 with leucine.
Molecular consequence: missense variant.
Genome position (GRCh38, 1-based): chr6:152,334,188, G>A on the plus strand (C>T on the coding strand, the complement: SYNE1 is on the minus strand). VCF-style: chr6-152334188-G-A. GRCh37 (hg19) VCF-style: chr6-152655323-G-A.
Other names: c.12401C>T, p.Ser4134Leu (NM_033071.5); short protein forms S4134L, S4205L.
Identifiers: ClinVar variation 470994 (VCV000470994.20), dbSNP rs140359400, ClinGen allele CA4056348.

ClinVar aggregate classification (germline): Likely benign. Review status: criteria provided, multiple submitters, no conflicts (2 of 4 stars). 6 submissions from 6 submitters: Likely benign (5). 1 of the submissions does not count toward it. Last evaluated 2026-01-14.

Conditions:
Emery-Dreifuss muscular dystrophy 4, autosomal dominant (EDMD4). Also called: EMERY-DREIFUSS MUSCULAR DYSTROPHY 4 WITH VARIABLE FEATURES. Identifiers: Orphanet 261, MedGen C2751807, MONDO:0013071, OMIM 612998.
Autosomal recessive ataxia, Beauce type. Also called: SYNE1-Related Autosomal Recessive Cerebellar Ataxia; Spinocerebellar ataxia, autosomal recessive 8; ATAXIA, RECESSIVE, OF BEAUCE; SYNE1 Deficiency. Identifiers: Orphanet 88644, MedGen C1853116, MONDO:0012549, OMIM 610743.
Arthrogryposis multiplex congenita 3, myogenic type. Also called: ARTHROGRYPOSIS MULTIPLEX CONGENITA, MYOGENIC TYPE. Identifiers: MedGen C5193121, MONDO:0032778, OMIM 618484.
SYNE1-related disorder. Also called: SYNE1-related disease; SYNE1-related condition; SYNE1-related disorders.

Allele frequency attached by ClinVar (database versions not stated): gnomAD exomes 0.00026; ExAC 0.00031; gnomAD 0.00096 and 0.00104; ESP Exome Variant Server 0.00100; TOPMed 0.00102; 1000 Genomes Project 30x 0.00109; 1000 Genomes Project 0.00120.
gnomAD v4.1: 341 of 1,614,086 alleles (0.021%); highest among the groups gnomAD compares: African/African-American, 0.36%; no homozygotes.

Submissions (6):

Labcorp Genetics (formerly Invitae), Labcorp
Classification: Likely benign for Emery-Dreifuss muscular dystrophy 4, autosomal dominant; Autosomal recessive ataxia, Beauce type. Last evaluated: 2026-01-14. Review status: criteria provided, single submitter. Criteria: Invitae Variant Classification Sherloc (09022015). Collection method: clinical testing. Allele origin: germline.

Athena Diagnostics
Classification: Likely benign. Last evaluated: 2025-02-24. Review status: criteria provided, single submitter. Criteria: Athena Diagnostics Criteria. Collection method: clinical testing. Allele origin: unknown.
Comment: The frequency of this variant in the general population is higher than would generally be expected for pathogenic variants in this gene.

Revvity Omics, Revvity
Classification: Likely benign. Last evaluated: 2023-06-12. Review status: criteria provided, single submitter. Criteria: ACMG Guidelines, 2015. Collection method: clinical testing. Allele origin: germline.

Department of Pathology and Laboratory Medicine, Sinai Health System
Classification: Likely benign for Autosomal recessive ataxia, Beauce type; Emery-Dreifuss muscular dystrophy 4, autosomal dominant; Arthrogryposis multiplex congenita 3, myogenic type. Last evaluated: 2020-05-08. Review status: criteria provided, single submitter. Criteria: ACMG Guidelines, 2015. Collection method: research. Allele origin: germline.

Breakthrough Genomics
Classification: Likely benign. Review status: criteria provided, single submitter. Criteria: ACMG Guidelines, 2015. Collection method: not provided. Allele origin: germline. Inheritance: Autosomal recessive inheritance. Affected: yes.

PreventionGenetics, part of Exact Sciences
Classification: Likely benign for SYNE1-related condition. Last evaluated: 2023-06-19. Review status: no assertion criteria provided. Collection method: clinical testing. Allele origin: germline. Not counted in ClinVar's aggregate classification.
Comment: This variant is classified as likely benign based on ACMG/AMP sequence variant interpretation guidelines (Richards et al. 2015 PMID: 25741868, with internal and published modifications).